The following is an entry in ClinVar:

ClinVar aggregate classification (germline): Uncertain significance (1 of 4 stars; one submission).

Conditions:
Cardiovascular phenotype. Identifiers: MedGen CN230736.

gnomAD v4.1: 2 of 1,550,376 alleles (0.00013%); highest among the groups gnomAD compares: Non-Finnish European, 0.00017%; no homozygotes.

Submission:

Ambry Genetics
Classification: Uncertain significance for Cardiovascular phenotype. Last evaluated: 2023-11-25. Review status: criteria provided, single submitter. Criteria: Ambry Variant Classification Scheme 2023. Collection method: clinical testing. Allele origin: germline.
Comment: The p.P3529T variant (also known as c.10585C>A), located in coding exon 2 of the ZNF469 gene, results from a C to A substitution at nucleotide position 10585. The proline at codon 3529 is replaced by threonine, an amino acid with highly similar properties. This amino acid position is conserved. In addition, this alteration is predicted to be tolerated by in silico analysis. Since supporting evidence is limited at this time, the clinical significance of this alteration remains unclear.

NM_001367624.2(ZNF469):c.10669C>A (p.Pro3557Thr)

Gene: ZNF469 (zinc finger protein 469; plus strand). Cytogenetic location: 16q24.2.
Variant type: single nucleotide variant.
Coding change: c.10669C>A on transcript NM_001367624.2 (MANE Select); coding-DNA position 10669, C replaced by A.
Protein change: p.Pro3557Thr; replaces proline 3557 with threonine.
Molecular consequence: missense variant.
Genome position (GRCh38, 1-based): chr16:88,438,139, C>A. VCF-style: chr16-88438139-C-A. GRCh37 (hg19) VCF-style: chr16-88504547-C-A.
Other names: NM_001127464.1:c.10585C>A; short protein forms P3557T.
Identifiers: ClinVar variation 3232729 (VCV003232729.1), dbSNP rs2507607175, ClinGen allele CA397127454.